The following is an entry in ClinVar:

ClinVar aggregate classification (germline): Uncertain significance (1 of 4 stars; one submission).

Conditions:
Epilepsy, familial adult myoclonic, 5 (EPEO5). Also called: CORTICAL MYOCLONIC TREMOR WITH EPILEPSY, FAMILIAL, 5. Identifiers: Orphanet 86814, MedGen C3809374, MONDO:0014167, OMIM 615400.

Submission:

Labcorp Genetics (formerly Invitae), Labcorp
Classification: Uncertain significance for Epilepsy, familial adult myoclonic, 5. Last evaluated: 2022-07-13. Review status: criteria provided, single submitter. Criteria: Invitae Variant Classification Sherloc (09022015). Collection method: clinical testing. Allele origin: germline.
Comment: This sequence change replaces leucine, which is neutral and non-polar, with valine, which is neutral and non-polar, at codon 579 of the CNTN2 protein (p.Leu579Val). This variant is not present in population databases (gnomAD no frequency). This variant has not been reported in the literature in individuals affected with CNTN2-related conditions. Advanced modeling of protein sequence and biophysical properties (such as structural, functional, and spatial information, amino acid conservation, physicochemical variation, residue mobility, and thermodynamic stability) performed at Invitae indicates that this missense variant is not expected to disrupt CNTN2 protein function. In summary, the available evidence is currently insufficient to determine the role of this variant in disease. Therefore, it has been classified as a Variant of Uncertain Significance.

NM_005076.5(CNTN2):c.1735C>G (p.Leu579Val)

Gene: CNTN2 (contactin 2; plus strand). Cytogenetic location: 1q32.1.
Variant type: single nucleotide variant.
Coding change: c.1735C>G on transcript NM_005076.5 (MANE Select); coding-DNA position 1735, C replaced by G.
Protein change: p.Leu579Val; replaces leucine 579 with valine.
Molecular consequence: missense variant. On other transcripts: non-coding transcript variant (1).
Genome position (GRCh38, 1-based): chr1:205,065,828, C>G. VCF-style: chr1-205065828-C-G. GRCh37 (hg19) VCF-style: chr1-205034956-C-G.
Other names: c.1735C>G, p.Leu579Val (NM_001346083.2); short protein forms L579V.
Identifiers: ClinVar variation 2016513 (VCV002016513.4), dbSNP rs2526391935, ClinGen allele CA344375751.
Genomic context (GRCh38, chr1:205,065,828, plus strand): 5'-CCTAACTGTCCCCGTGTGCAGAAGGAGACCATTGGGGATCTGACCATCCTGAACGCCCAG[C>G]TGCGCCATGGGGGGAAGTACACGTGCATGGCCCAGACGGTGGTGGACAGCGCGTCCAAGG-3'
Protein context (NP_005067.1, residues 569-589): IGDLTILNAQ[Leu579Val]RHGGKYTCMA